The following is an entry in ClinVar:

NM_003906.5(MCM3AP):c.3824G>T (p.Arg1275Leu)

Gene: MCM3AP (minichromosome maintenance complex component 3 associated protein; minus strand). Cytogenetic location: 21q22.3.
Variant type: single nucleotide variant.
Coding change: c.3824G>T on transcript NM_003906.5 (MANE Select); coding-DNA position 3824, G replaced by T.
Protein change: p.Arg1275Leu; replaces arginine 1275 with leucine.
Molecular consequence: missense variant.
Genome position (GRCh38, 1-based): chr21:46,256,897, C>A on the plus strand (G>T on the coding strand, the complement: MCM3AP is on the minus strand). VCF-style: chr21-46256897-C-A. GRCh37 (hg19) VCF-style: chr21-47676811-C-A.
Other names: short protein forms R1275L.
Identifiers: ClinVar variation 1403223 (VCV001403223.5), dbSNP rs753539947, ClinGen allele CA410551139.

ClinVar aggregate classification (germline): Uncertain significance (1 of 4 stars; one submission).

gnomAD v4.1: 5 of 1,606,574 alleles (0.00031%); highest among the groups gnomAD compares: Non-Finnish European, 0.00042%; no homozygotes.

Submission:

Labcorp Genetics (formerly Invitae), Labcorp
Classification: Uncertain significance. Last evaluated: 2022-08-22. Review status: criteria provided, single submitter. Criteria: Invitae Variant Classification Sherloc (09022015). Collection method: clinical testing. Allele origin: germline.
Comment: This sequence change replaces arginine, which is basic and polar, with leucine, which is neutral and non-polar, at codon 1275 of the MCM3AP protein (p.Arg1275Leu). This variant is not present in population databases (gnomAD no frequency). This variant has not been reported in the literature in individuals affected with MCM3AP-related conditions. ClinVar contains an entry for this variant (Variation ID: 1403223). Algorithms developed to predict the effect of missense changes on protein structure and function are either unavailable or do not agree on the potential impact of this missense change (SIFT: "Deleterious"; PolyPhen-2: "Benign"; Align-GVGD: "Class C35"). In summary, the available evidence is currently insufficient to determine the role of this variant in disease. Therefore, it has been classified as a Variant of Uncertain Significance.